The following is an entry in ClinVar:

ClinVar aggregate classification (germline): Pathogenic (1 of 4 stars; one submission).

Submission:

GeneDx
Classification: Pathogenic. Last evaluated: 2018-01-24. Review status: criteria provided, single submitter. Criteria: GeneDx Variant Classification (06012015). Collection method: clinical testing. Allele origin: germline. Affected: yes.
Comment: The c.4044_4057del14 pathogenic variant in the CREBBP gene causes a frameshift starting with codon Glutamine 1349, changes this amino acid to a Serine residue and creates a premature Stop codon at position 34 of the new reading frame, denoted p.Gln1349SerfsX34. This pathogenic variant is predicted to cause loss of normal protein function either through protein truncation or nonsense-mediated mRNA decay. The c.4044_4057del14 variant is not observed in large population cohorts (Lek et al., 2016).

NM_004380.3(CREBBP):c.4044_4057del (p.Gln1349fs)

Gene: CREBBP (CREB binding protein; minus strand). Cytogenetic location: 16p13.3.
Variant type: Deletion.
Coding change: c.4044_4057del on transcript NM_004380.3 (MANE Select); coding-DNA positions 4044 to 4057, 14 bases deleted (CCAGAATCACCCTG).
Protein change: p.Gln1349fs; shifts the reading frame from glutamine 1349.
Molecular consequence: frameshift variant.
Genome position (GRCh38, 1-based): chr16:3,740,475-3,740,488, CAGGGTGATTCTGG deleted on the plus strand (CCAGAATCACCCTG on the coding strand, the reverse complement: CREBBP is on the minus strand); deleting any 14 consecutive bases within chr16:3,740,475-3,740,489 gives the same sequence; the c. name uses the placement nearest the transcript's 3' end. VCF-style (leftmost placement, unchanged base first): chr16-3740474-TCAGGGTGATTCTGG-T. GRCh37 (hg19) VCF-style: chr16-3790475-TCAGGGTGATTCTGG-T.
Other names: c.4044_4057delCCAGAATCACCCTG (NM_004380.2); c.3930_3943del, p.Gln1311fs (NM_001079846.1); short protein forms Q1311fs, Q1349fs.
Identifiers: ClinVar variation 504172 (VCV000504172.2), dbSNP rs1555473890, ClinGen allele CA658798531.
Genomic context (GRCh38, chr16:3,740,474, plus strand): 5'-GGCTTGACCTCCACCGTCTTGTCTGAGCTGGCCACCACTCGGACAAAAACCTCCCCGGCT[TCAGGGTGATTCTGG>T]CGCCGCAAAAATTTGTTCACTCGGTCTTCCAAGTGGTTTCCCAGTCTTGTGGTCTGCAGC-3'